The following is an entry in ClinVar:

NM_014334.4(FRRS1L):c.692G>A (p.Trp231Ter)

Gene: FRRS1L (ferric chelate reductase 1 like; minus strand). Cytogenetic location: 9q31.3.
Variant type: single nucleotide variant.
Coding change: c.692G>A on transcript NM_014334.4 (MANE Select); coding-DNA position 692, G replaced by A.
Protein change: p.Trp231Ter; replaces tryptophan 231 with a stop codon.
Molecular consequence: nonsense.
Genome position (GRCh38, 1-based): chr9:109,141,360, C>T on the plus strand (G>A on the coding strand, the complement: FRRS1L is on the minus strand). VCF-style: chr9-109141360-C-T. GRCh37 (hg19) VCF-style: chr9-111903640-C-T.
Other names: W282*; short protein forms W231*.
Identifiers: ClinVar variation 218152 (VCV000218152.12), dbSNP rs878853281, ClinGen allele CA10575813.
Genomic context (GRCh38, chr9:109,141,360, plus strand): 5'-GTGGTGTCTGGCGTTTAATCCAGATGCTGAAATGTAAGCTTACCCTGAATGGCTGGACCC[C>T]AAGCAAACAGATAATACCAACTCAAATGCAGATCAACAATTGTTTCATCTCTGGGAACAT-3'

ClinVar aggregate classification (germline): Pathogenic. Review status: criteria provided, single submitter (1 of 4 stars). 3 submissions from 3 submitters: Pathogenic (1). 2 of the submissions do not count toward it. Last evaluated 2022-01-18.

Conditions:
Developmental and epileptic encephalopathy, 37 (DEE37). Also called: Epileptic encephalopathy, early infantile, 37. Identifiers: MedGen C4310770, MONDO:0014859, OMIM 616981.
Chorea. Also called: Choreatic disease; Choreiform movements. Identifiers: Orphanet 1429, MedGen C0008489, MONDO:0001595, HP:0002072.
Progressive encephalopathy. Identifiers: MedGen C1838578, HP:0002448.
Seizure. Also called: Seizures. Identifiers: MedGen C0036572, HP:0001250.

Allele frequency attached by ClinVar (database versions not stated): gnomAD exomes below 0.00001.
gnomAD v4.1: 1 of 1,614,130 alleles (0.000062%); highest among the groups gnomAD compares: Non-Finnish European, 0.000085%; no homozygotes.

Submissions (3):

Labcorp Genetics (formerly Invitae), Labcorp
Classification: Pathogenic for Developmental and epileptic encephalopathy, 37. Last evaluated: 2022-01-18. Review status: criteria provided, single submitter. Criteria: Invitae Variant Classification Sherloc (09022015). Collection method: clinical testing. Allele origin: germline.
Comment: ClinVar contains an entry for this variant (Variation ID: 218152). For these reasons, this variant has been classified as Pathogenic. This variant disrupts a region of the FRRS1L protein in which other variant(s) (p.Arg292*, p.Gln321*) have been determined to be pathogenic (PMID: 27236917; Invitae). This suggests that this is a clinically significant region of the protein, and that variants that disrupt it are likely to be disease-causing. Algorithms developed to predict the effect of sequence changes on RNA splicing suggest that this variant may create or strengthen a splice site. Experimental studies have shown that this premature translational stop signal affects FRRS1L function (PMID: 27236917). Algorithms developed to predict the effect of variants on protein structure and function are not available or were not evaluated for this variant. This premature translational stop signal has been observed in individual(s) with early infantile epileptic encephalopathy (PMID: 27236917; Invitae). In at least one individual the data is consistent with being in trans (on the opposite chromosome) from a pathogenic variant. This variant is present in population databases (no rsID available, gnomAD 0.0009%). This sequence change creates a premature translational stop signal (p.Trp282*) in the FRRS1L gene. While this is not anticipated to result in nonsense mediated decay, it is expected to disrupt the last 63 amino acid(s) of the FRRS1L protein.

OMIM
Classification: Pathogenic for DEVELOPMENTAL AND EPILEPTIC ENCEPHALOPATHY 37. Last evaluated: 2020-10-23. Review status: no assertion criteria provided. Collection method: literature only. Allele origin: germline. Not counted in ClinVar's aggregate classification.

Kruer lab, Phoenix Children's Hospital
Classification: Pathogenic for Chorea; Seizure; Progressive encephalopathy. Last evaluated: 2015-11-11. Review status: no assertion criteria provided. Collection method: research. Allele origin: inherited. Affected: yes. Observed: 1 variant allele. Not counted in ClinVar's aggregate classification.
Comment: Leads to loss of protein by immunoblot; leads to impaired co-localization with GluR1 component of AMPA receptor by TIRF; loss of FRRS1L leads to attenuated AMPA currents by electrophysiology

Unrelated patient; parents heterozygous

Literature cited by the submitters: PubMed 27236917 (cited by 3 submitters).